The following is an entry in ClinVar:

NM_005732.4(RAD50):c.55G>A (p.Asp19Asn)

Gene: RAD50 (RAD50 double strand break repair protein; plus strand). Cytogenetic location: 5q31.1.
Variant type: single nucleotide variant.
Coding change: c.55G>A on transcript NM_005732.4 (MANE Select); coding-DNA position 55, G replaced by A.
Protein change: p.Asp19Asn; replaces aspartic acid 19 with asparagine.
Molecular consequence: missense variant.
Genome position (GRCh38, 1-based): chr5:132,557,379, G>A. VCF-style: chr5-132557379-G-A. GRCh37 (hg19) VCF-style: chr5-131893071-G-A.
Other names: short protein forms D19N.
Identifiers: ClinVar variation 482122 (VCV000482122.15), dbSNP rs770566177, ClinGen allele CA3404881.
Genomic context (GRCh38, chr5:132,557,379, plus strand): 5'-GCAAACATGTCCCGGATCGAAAAGATGAGCATTCTGGGCGTGCGGAGTTTTGGAATAGAG[G>A]ACAAAGATAAGCAAATTATCACTTTCTTCAGCCCCCTTACAATTTTGGTTGGACCCAATG-3'
Protein context (NP_005723.2, residues 9-29): ILGVRSFGIE[Asp19Asn]KDKQIITFFS

ClinVar aggregate classification (germline): Uncertain significance. Review status: criteria provided, multiple submitters, no conflicts (2 of 4 stars). 2 submissions from 2 submitters: Uncertain significance (2). Last evaluated 2025-08-11.

Conditions:
Hereditary cancer-predisposing syndrome. Also called: Neoplastic Syndromes, Hereditary; Tumor predisposition; Hereditary Cancer Syndrome; Hereditary neoplastic syndrome. Identifiers: Orphanet 140162, MedGen C0027672, MeSH D009386, MONDO:0015356.

Allele frequency attached by ClinVar (database versions not stated): gnomAD 0.00001; TOPMed 0.00001; ExAC 0.00002.
gnomAD v4.1: 17 of 1,614,004 alleles (0.0011%); highest among the groups gnomAD compares: Non-Finnish European, 0.0014%; no homozygotes.

Submissions (2):

Labcorp Genetics (formerly Invitae), Labcorp
Classification: Uncertain significance for Hereditary cancer-predisposing syndrome. Last evaluated: 2025-08-11. Review status: criteria provided, single submitter. Criteria: Invitae Variant Classification Sherloc (09022015). Collection method: clinical testing. Allele origin: germline.
Comment: This sequence change replaces aspartic acid, which is acidic and polar, with asparagine, which is neutral and polar, at codon 19 of the RAD50 protein (p.Asp19Asn). This variant is present in population databases (rs770566177, gnomAD 0.003%). This variant has not been reported in the literature in individuals affected with RAD50-related conditions. ClinVar contains an entry for this variant (Variation ID: 482122). An algorithm developed to predict the effect of missense changes on protein structure and function (PolyPhen-2) suggests that this variant is likely to be disruptive. In summary, the available evidence is currently insufficient to determine the role of this variant in disease. Therefore, it has been classified as a Variant of Uncertain Significance.

Ambry Genetics
Classification: Uncertain significance for Hereditary cancer-predisposing syndrome. Last evaluated: 2024-04-17. Review status: criteria provided, single submitter. Criteria: Ambry Variant Classification Scheme 2023. Collection method: clinical testing. Allele origin: germline.
Comment: The p.D19N variant (also known as c.55G>A), located in coding exon 1 of the RAD50 gene, results from a G to A substitution at nucleotide position 55. The aspartic acid at codon 19 is replaced by asparagine, an amino acid with highly similar properties. This amino acid position is highly conserved in available vertebrate species. In addition, this alteration is predicted to be tolerated by in silico analysis. Since supporting evidence is limited at this time, the clinical significance of this alteration remains unclear.